The following is an entry in ClinVar:

ClinVar aggregate classification (germline): Conflicting classifications of pathogenicity. Review status: criteria provided, conflicting classifications (1 of 4 stars). 2 submissions from 2 submitters: Uncertain significance (1); Likely benign (1). Last evaluated 2019-01-16.

Conditions:
Cardiomyopathy (CMYO). Also called: Cardiomyopathies. Identifiers: Orphanet 167848, MedGen C0878544, MONDO:0004994, HP:0001638. Inheritance: Various modes of inheritance.

gnomAD v4.1: 1 of 1,612,172 alleles (0.000062%); no homozygotes.

Submissions (2):

Color Diagnostics, LLC DBA Color Health
Classification: Likely benign for Cardiomyopathy. Last evaluated: 2019-01-16. Review status: criteria provided, single submitter. Criteria: ACMG Guidelines, 2015. Collection method: clinical testing. Allele origin: germline.

GeneDx
Classification: Uncertain significance. Last evaluated: 2014-06-16. Review status: criteria provided, single submitter. Criteria: GeneDx Variant Classification (06012015). Collection method: clinical testing. Allele origin: germline. Affected: yes.
Comment: c.1521-13 T>A: IVS10-13 T>A in intron 10 of the DSC2 gene (NM_024422.3). Although rare, mutations in the DSC2 gene have been reported in association with Arrhythmogenic Right Ventricular Cardiomyopathy (ARVC) (McNally E et al., 2009). A variant of unknown significance has been identified in the DSC2 gene. The c.1521-13 T>A variant has not been published as a mutation or reported as a benign polymorphism to our knowledge. The c.1521-13 T>A variant was not observed in approximately 6,500 individuals of European and African American ancestry in the NHLBI Exome Sequencing Project, indicating it is not a common benign variant in these populations. Other splice site mutations in the DSC2 gene have been reported in association with ARVC. In silico splice algorithms predict this variant damages the natural splice acceptor site for intron 10, however, in the absence of mRNA studies, we cannot unequivocally determine the functional consequence of this variant. Therefore, based on the currently available information, it is unclear whether this variant is a pathogenic mutation or a rare benign variant. The variant is found in CARDIOMYOPATHY panel(s).

NM_024422.6(DSC2):c.1521-13T>A

Gene: DSC2 (desmocollin 2; minus strand). Cytogenetic location: 18q12.1.
Variant type: single nucleotide variant.
Coding change: c.1521-13T>A on transcript NM_024422.6 (MANE Select); 13 bases into the intron before coding-DNA position 1521, T replaced by A.
Molecular consequence: intron variant.
Genome position (GRCh38, 1-based): chr18:31,080,002, A>T on the plus strand (T>A on the coding strand, the complement: DSC2 is on the minus strand). VCF-style: chr18-31080002-A-T. GRCh37 (hg19) VCF-style: chr18-28659968-A-T.
Other names: c.1521-13T>A (NM_004949.5).
Identifiers: ClinVar variation 199768 (VCV000199768.4), dbSNP rs794728069, ClinGen allele CA022484.